The following is an entry in ClinVar:

ClinVar aggregate classification (germline): Uncertain significance. Review status: criteria provided, multiple submitters, no conflicts (2 of 4 stars). 4 submissions from 4 submitters: Uncertain significance (4). Last evaluated 2026-04-20.

Conditions:
Osteogenesis imperfecta type I (OI1). Also called: OI, TYPE I; OSTEOGENESIS IMPERFECTA TARDA; OSTEOGENESIS IMPERFECTA WITH BLUE SCLERAE; Classic Non-deforming Osteogenesis Imperfecta with Blue Sclerae; Osteogenesis imperfecta type 1; Lobstein's Disease. Identifiers: Orphanet 216796, Orphanet 666, MedGen C0023931, MONDO:0008146, OMIM 166200. Disease mechanism: loss of function.
Ehlers-Danlos syndrome, classic type, 1 (EDSCL1). Also called: EHLERS-DANLOS SYNDROME, GRAVIS TYPE; EHLERS-DANLOS SYNDROME, SEVERE CLASSIC TYPE; Ehlers-Danlos syndrome, type 1; Ehlers-Danlos Syndrome, Classic Type, COL5A1-Related; EDS I. Identifiers: MedGen C0268335, MONDO:0019567, OMIM 130000.
Cardiovascular phenotype. Identifiers: MedGen CN230736.

Allele frequency attached by ClinVar (database versions not stated): gnomAD 0.00003 and 0.00004; ExAC 0.00004; TOPMed 0.00004; gnomAD exomes 0.00008 and 0.00006.
gnomAD v4.1: 122 of 1,598,280 alleles (0.0076%); highest among the groups gnomAD compares: Admixed American, 0.028%; no homozygotes.

Submissions (4):

Ambry Genetics
Classification: Uncertain significance for Cardiovascular phenotype. Last evaluated: 2026-04-20. Review status: criteria provided, single submitter. Criteria: Ambry Variant Classification Scheme 2023. Collection method: clinical testing. Allele origin: germline.

Labcorp Genetics (formerly Invitae), Labcorp
Classification: Uncertain significance for Osteogenesis imperfecta type I; Ehlers-Danlos syndrome, classic type, 1. Last evaluated: 2026-01-21. Review status: criteria provided, single submitter. Criteria: Invitae Variant Classification Sherloc (09022015). Collection method: clinical testing. Allele origin: germline.
Comment: This sequence change replaces isoleucine, which is neutral and non-polar, with valine, which is neutral and non-polar, at codon 1034 of the COL1A2 protein (p.Ile1034Val). This variant is present in population databases (rs746794922, gnomAD 0.03%). This variant has not been reported in the literature in individuals affected with COL1A2-related conditions. ClinVar contains an entry for this variant (Variation ID: 1208292). Invitae Evidence Modeling of protein sequence and biophysical properties (such as structural, functional, and spatial information, amino acid conservation, physicochemical variation, residue mobility, and thermodynamic stability) indicates that this missense variant is not expected to disrupt COL1A2 protein function with a negative predictive value of 95%. In summary, the available evidence is currently insufficient to determine the role of this variant in disease. Therefore, it has been classified as a Variant of Uncertain Significance.

Women's Health and Genetics/Laboratory Corporation of America, LabCorp
Classification: Uncertain significance. Last evaluated: 2025-11-05. Review status: criteria provided, single submitter. Criteria: LabCorp Variant Classification Summary - May 2015. Collection method: clinical testing. Allele origin: germline.
Comment: Variant summary: COL1A2 c.3100A>G (p.Ile1034Val) results in a conservative amino acid change in the encoded protein sequence. Algorithms developed to predict the effect of missense changes on protein structure and function all suggest that this variant is likely to be tolerated. The variant allele was found at a frequency of 6.3e-05 in 221936 control chromosomes. This frequency is not significantly higher than estimated for disease-causing variants in COL1A2, allowing no conclusion about variant significance. To our knowledge, no occurrence of c.3100A>G in individuals affected with COL1A2-related conditions and no experimental evidence demonstrating its impact on protein function have been reported. ClinVar contains an entry for this variant (Variation ID: 1208292). Based on the evidence outlined above, the variant was classified as uncertain significance.

GeneDx
Classification: Uncertain significance. Last evaluated: 2025-09-25. Review status: criteria provided, single submitter. Criteria: GeneDx Variant Classification Process June 2021. Collection method: clinical testing. Allele origin: germline. Affected: yes.
Comment: Has not been previously published as pathogenic or benign to our knowledge; In silico analysis suggests that this missense variant does not alter protein structure/function; Occurs in the triple helical domain at the X position in the canonical Gly-X-Y repeat; although this variant may have an effect on normal protein folding and function, missense substitution at the X position is not a common mechanism of disease (HGMD)

NM_000089.4(COL1A2):c.3100A>G (p.Ile1034Val)

Gene: COL1A2 (collagen type I alpha 2 chain; plus strand). Cytogenetic location: 7q21.3.
Variant type: single nucleotide variant.
Coding change: c.3100A>G on transcript NM_000089.4 (MANE Select); coding-DNA position 3100, A replaced by G.
Protein change: p.Ile1034Val; replaces isoleucine 1034 with valine.
Molecular consequence: missense variant.
Genome position (GRCh38, 1-based): chr7:94,426,525, A>G. VCF-style: chr7-94426525-A-G. GRCh37 (hg19) VCF-style: chr7-94055837-A-G.
Other names: short protein forms I1034V.
Identifiers: ClinVar variation 1208292 (VCV001208292.14), dbSNP rs746794922, ClinGen allele CA4347652.